The following is an entry in ClinVar:

ClinVar aggregate classification (germline): Uncertain significance (1 of 4 stars; one submission).

Submission:

GeneDx
Classification: Uncertain significance. Last evaluated: 2023-03-14. Review status: criteria provided, single submitter. Criteria: GeneDx Variant Classification Process June 2021. Collection method: clinical testing. Allele origin: germline. Affected: yes.
Comment: Not observed at significant frequency in large population cohorts (gnomAD); Frameshift variant predicted to result in protein truncation, as the last 129 amino acids are replaced with 49 different amino acids; Has not been previously published as pathogenic or benign to our knowledge

NM_014975.3(MAST1):c.4323del (p.Arg1442fs)

Gene: MAST1 (microtubule associated serine/threonine kinase 1; plus strand). Cytogenetic location: 19p13.13.
Variant type: Deletion.
Coding change: c.4323del on transcript NM_014975.3 (MANE Select); coding-DNA position 4323, one base deleted (G; older notation c.4323delG).
Protein change: p.Arg1442fs; shifts the reading frame from arginine 1442.
Molecular consequence: frameshift variant.
Genome position (GRCh38, 1-based): chr19:12,874,480, G deleted. VCF-style (leftmost placement, unchanged base first): chr19-12874479-CG-C. GRCh37 (hg19) VCF-style: chr19-12985293-CG-C.
Other names: short protein forms R1442fs.
Identifiers: ClinVar variation 2579761 (VCV002579761.1), dbSNP rs2512545790, ClinGen allele CA2580617860.